The following is an entry in ClinVar:

ClinVar aggregate classification (germline): Pathogenic. Review status: criteria provided, multiple submitters, no conflicts (2 of 4 stars). 9 submissions from 9 submitters: Pathogenic (9). Last evaluated 2026-07-27.

Conditions:
Monogenic hearing loss.
Usher syndrome type 2C. Also called: Usher syndrome, type 2B; USHER SYNDROME, TYPE IIC. Identifiers: Orphanet 231178, Orphanet 886, MedGen C2931213, MONDO:0011558, OMIM 605472.
ADGRV1-related disorder. Also called: ADGRV1-related condition; ADGRV1-related disorders.
Febrile seizures, familial, 4 (FEB4). Also called: CONVULSIONS, FAMILIAL FEBRILE, 4. Identifiers: MedGen C1858493, MONDO:0011443, OMIM 604352.
ADGRV1 & GPR98-related disorders.

Allele frequency attached by ClinVar (database versions not stated): ExAC 0.00002; gnomAD 0.00004 and 0.00006; gnomAD exomes 0.00006 and 0.00008; TOPMed 0.00007; ESP Exome Variant Server 0.00051.

Submissions (9):

Genetics Laboratory, Great Ormond Street Hospital NHS Foundation Trust, North Thames Genomic Laboratory Hub
Classification: Pathogenic for Monogenic hearing loss. Last evaluated: 2026-07-27. Review status: criteria provided, single submitter. Criteria: ACGS Best Practice Guidelines for Variant Classification in Rare Disease 2024 v1.2. Collection method: clinical testing. Allele origin: germline. Affected: yes.
Comment: PVS1_very-strong, PM3_strong

PreventionGenetics, part of Exact Sciences
Classification: Pathogenic for ADGRV1-related condition. Last evaluated: 2026-07-08. Review status: criteria provided, single submitter. Criteria: ACMG Guidelines, 2015. Collection method: clinical testing. Allele origin: germline.
Comment: The ADGRV1 c.17668_17669delAT variant is predicted to result in a frameshift and premature protein termination (p.Met5890Valfs*10). This variant has been reported in multiple individuals with Usher syndrome in the homozygous state or in combination with another ADGRV1 variant (Bonnet et al. 2011. PubMed ID: 21569298; Machado et al. 2025. PubMed ID: 39806488; Table S2, Perry et al. 2022. PubMed ID: 36515421). This variant is reported in 0.013% of alleles in individuals of African descent in gnomAD. Frameshift variants in ADGRV1 are expected to be pathogenic. This variant is interpreted as pathogenic.

Labcorp Genetics (formerly Invitae), Labcorp
Classification: Pathogenic. Last evaluated: 2026-01-16. Review status: criteria provided, single submitter. Criteria: Invitae Variant Classification Sherloc (09022015). Collection method: clinical testing. Allele origin: germline.
Comment: This sequence change creates a premature translational stop signal (p.Met5890Valfs*10) in the ADGRV1 gene. It is expected to result in an absent or disrupted protein product. Loss-of-function variants in ADGRV1 are known to be pathogenic (PMID: 19357117, 22135276, 22147658, 26226137, 30718709, 31047384, 32467589). This variant is present in population databases (rs757696771, gnomAD 0.01%). This premature translational stop signal has been observed in individual(s) with Usher syndrome (PMID: 21569298). ClinVar contains an entry for this variant (Variation ID: 503620). For these reasons, this variant has been classified as Pathogenic.

Fulgent Genetics
Classification: Pathogenic for Febrile seizures, familial, 4; Usher syndrome type 2C. Last evaluated: 2024-05-10. Review status: criteria provided, single submitter. Criteria: ACMG Guidelines, 2015. Collection method: clinical testing. Allele origin: germline.

Blueprint Genetics
Classification: Pathogenic for ADGRV1 & GPR98-related disorders. Last evaluated: 2022-09-30. Review status: criteria provided, single submitter. Criteria: ACMG Guidelines, 2015. Collection method: clinical testing. Allele origin: germline. Affected: yes. Observed: 5 variant alleles.

GeneDx
Classification: Pathogenic. Last evaluated: 2021-12-03. Review status: criteria provided, single submitter. Criteria: GeneDx Variant Classification Process June 2021. Collection method: clinical testing. Allele origin: germline. Affected: yes.
Comment: Observed with a second ADGRV1 variant in a patient with retinal disease in published literature (Zampaglione E et al., 2020); Frameshift variant predicted to result in protein truncation or nonsense mediated decay in a gene for which loss-of-function is a known mechanism of disease; This variant is associated with the following publications: (PMID: 21569298, 31589614, 32037395)

Ocular Genomics Institute, Massachusetts Eye and Ear
Classification: Pathogenic for Usher syndrome type 2C. Last evaluated: 2021-04-08. Review status: criteria provided, single submitter. Criteria: ACMG Guidelines, 2015. Collection method: research. Allele origin: germline. Affected: yes.
Comment: Through a review of available evidence we were able to apply the following criteria: PVS1, PM2, PP3. Based on this evidence we have classified this variant as Pathogenic.

Revvity Omics, Revvity
Classification: Pathogenic. Last evaluated: 2019-12-16. Review status: criteria provided, single submitter. Criteria: ACMG Guidelines, 2015. Collection method: clinical testing. Allele origin: germline.

Mendelics
Classification: Pathogenic for Usher syndrome type 2C. Last evaluated: 2019-05-28. Review status: criteria provided, single submitter. Criteria: Mendelics Assertion Criteria 2017. Collection method: clinical testing. Allele origin: unknown.

Literature cited by the submitters: PubMed 19357117 (cited by Labcorp Genetics (formerly Invitae), Labcorp); PubMed 22135276 (cited by Labcorp Genetics (formerly Invitae), Labcorp); PubMed 22147658 (cited by Labcorp Genetics (formerly Invitae), Labcorp); PubMed 26226137 (cited by Labcorp Genetics (formerly Invitae), Labcorp); PubMed 30718709 (cited by Labcorp Genetics (formerly Invitae), Labcorp); PubMed 31047384 (cited by Labcorp Genetics (formerly Invitae), Labcorp); PubMed 32467589 (cited by Labcorp Genetics (formerly Invitae), Labcorp); PubMed 21569298 (cited by Labcorp Genetics (formerly Invitae), Labcorp and Ocular Genomics Institute, Massachusetts Eye and Ear).

NM_032119.4(ADGRV1):c.17668_17669del (p.Met5890fs)

Gene: ADGRV1 (adhesion G protein-coupled receptor V1; plus strand). Cytogenetic location: 5q14.3.
Variant type: Deletion.
Coding change: c.17668_17669del on transcript NM_032119.4 (MANE Select); coding-DNA positions 17668 to 17669, 2 bases deleted (AT; older notation c.17668_17669delAT).
Protein change: p.Met5890fs; shifts the reading frame from methionine 5890.
Molecular consequence: frameshift variant. On other transcripts: non-coding transcript variant (1).
Genome position (GRCh38, 1-based): chr5:90,855,814-90,855,815, AT deleted. VCF-style (leftmost placement, unchanged base first): chr5-90855813-CAT-C. GRCh37 (hg19) VCF-style: chr5-90151630-CAT-C.
Other names: c.17668_17669del (NM_032119.3); short protein forms M5890fs.
Identifiers: ClinVar variation 503620 (VCV000503620.18), dbSNP rs757696771, ClinGen allele CA3342414.